The following is an entry in ClinVar:

NM_025114.4(CEP290):c.3693G>T (p.Met1231Ile)

Gene: CEP290 (centrosomal protein 290; minus strand). Cytogenetic location: 12q21.32.
Variant type: single nucleotide variant.
Coding change: c.3693G>T on transcript NM_025114.4 (MANE Select); coding-DNA position 3693, G replaced by T.
Protein change: p.Met1231Ile; replaces methionine 1231 with isoleucine.
Molecular consequence: missense variant.
Genome position (GRCh38, 1-based): chr12:88,089,368, C>A on the plus strand (G>T on the coding strand, the complement: CEP290 is on the minus strand). VCF-style: chr12-88089368-C-A. GRCh37 (hg19) VCF-style: chr12-88483145-C-A.
Other names: short protein forms M1231I.
Identifiers: ClinVar variation 1979325 (VCV001979325.4), dbSNP rs1221399740, ClinGen allele CA386000914.

ClinVar aggregate classification (germline): Uncertain significance. Review status: criteria provided, multiple submitters, no conflicts (2 of 4 stars). 2 submissions from 2 submitters: Uncertain significance (2). Last evaluated 2022-07-06.

Conditions:
Joubert syndrome. Also called: CEREBELLOPARENCHYMAL DISORDER IV; JOUBERT-BOLTSHAUSER SYNDROME; Familial aplasia of the vermis. Identifiers: Orphanet 475, MedGen C5979921, MONDO:0018772.
Meckel-Gruber syndrome. Also called: DYSENCEPHALIA SPLANCHNOCYSTICA; GRUBER SYNDROME; Dysencephalia splachnocystica. Identifiers: Orphanet 564, MedGen C0265215, MONDO:0018921.
Nephronophthisis. Also called: Juvenile Nephronophthisis. Identifiers: Orphanet 655, MedGen C0687120, MONDO:0019005, HP:0000090.

Submissions (2):

Labcorp Genetics (formerly Invitae), Labcorp
Classification: Uncertain significance for Joubert syndrome; Meckel-Gruber syndrome; Nephronophthisis. Last evaluated: 2022-07-06. Review status: criteria provided, single submitter. Criteria: Invitae Variant Classification Sherloc (09022015). Collection method: clinical testing. Allele origin: germline.
Comment: This sequence change replaces methionine, which is neutral and non-polar, with isoleucine, which is neutral and non-polar, at codon 1231 of the CEP290 protein (p.Met1231Ile). This variant is present in population databases (no rsID available, gnomAD 0.003%). This variant has not been reported in the literature in individuals affected with CEP290-related conditions. Algorithms developed to predict the effect of missense changes on protein structure and function output the following: SIFT: "Tolerated"; PolyPhen-2: "Benign"; Align-GVGD: "Class C0". The isoleucine amino acid residue is found in multiple mammalian species, which suggests that this missense change does not adversely affect protein function. In summary, the available evidence is currently insufficient to determine the role of this variant in disease. Therefore, it has been classified as a Variant of Uncertain Significance.

Revvity Omics, Revvity
Classification: Uncertain significance. Last evaluated: 2019-07-11. Review status: criteria provided, single submitter. Criteria: ACMG Guidelines, 2015. Collection method: clinical testing. Allele origin: germline.